The following is an entry in ClinVar:

NM_000059.4(BRCA2):c.2803G>C (p.Asp935His)

Gene: BRCA2 (BRCA2 DNA repair associated; plus strand). Cytogenetic location: 13q13.1.
Variant type: single nucleotide variant.
Coding change: c.2803G>C on transcript NM_000059.4 (MANE Select); coding-DNA position 2803, G replaced by C.
Protein change: p.Asp935His; replaces aspartic acid 935 with histidine.
Molecular consequence: missense variant.
Genome position (GRCh38, 1-based): chr13:32,337,158, G>C. VCF-style: chr13-32337158-G-C. GRCh37 (hg19) VCF-style: chr13-32911295-G-C.
Other names: 3031G>C; short protein forms D935H.
Identifiers: ClinVar variation 37801 (VCV000037801.52), dbSNP rs28897716, ClinGen allele CA016411.

ClinVar aggregate classification (germline): Benign. Review status: reviewed by expert panel (3 of 4 stars). 24 submissions from 23 submitters: Benign (1). 23 of the submissions do not count toward it. Last evaluated 2019-06-18.

Conditions:
Breast and/or ovarian cancer. Identifiers: MedGen CN221562.
BRCA2-related disorder. Also called: BRCA2-related condition; BRCA2-related disorders. Identifiers: MedGen CN239275.
Hereditary cancer-predisposing syndrome. Also called: Hereditary neoplastic syndrome; Tumor predisposition; Hereditary Cancer Syndrome; Neoplastic Syndromes, Hereditary. Identifiers: Orphanet 140162, MedGen C0027672, MeSH D009386, MONDO:0015356.
Hereditary breast ovarian cancer syndrome. Also called: Breast and ovarian cancer; Hereditary breast and/or ovarian cancer syndrome; BRCA1- and BRCA2-Associated Hereditary Breast and Ovarian Cancer; Hereditary breast and ovarian cancer syndrome; Hereditary breast and ovarian cancer; Hereditary breast and ovarian cancer syndrome (HBOC). Identifiers: Orphanet 145, MedGen C0677776, MeSH D061325, MONDO:0003582. Disease mechanism: loss of function.
Fanconi anemia complementation group D1. Also called: BRCA2-Related Fanconi Anemia. Identifiers: Orphanet 319462, MedGen C1838457, MONDO:0011584, OMIM 605724.
Breast-ovarian cancer, familial, susceptibility to, 2 (BROVCA2). Also called: BRCA2 Hereditary Breast and Ovarian Cancer. Identifiers: Orphanet 145, MedGen C2675520, MONDO:0012933, OMIM 612555. Disease mechanism: loss of function.
Malignant tumor of breast. Also called: Cancer breast; Malignant breast neoplasm. Identifiers: MedGen C0006142, MONDO:0007254. Disease mechanism: loss of function.

Allele frequency attached by ClinVar (database versions not stated): TOPMed 0.00007; 1000 Genomes Project 30x 0.00016.
gnomAD v4.1: 147 of 1,613,832 alleles (0.0091%); highest among the groups gnomAD compares: Non-Finnish European, 0.012%; no homozygotes.

Submissions 1 to 13 of 24:

Evidence-based Network for the Interpretation of Germline Mutant Alleles (ENIGMA)
Classification: Benign for Breast-ovarian cancer, familial, susceptibility to, 2. Last evaluated: 2019-06-18. Review status: reviewed by expert panel. Criteria: ENIGMA BRCA1/2 Classification Criteria (2017-06-29). Collection method: curation. Allele origin: germline.
Comment: IARC class based on posterior probability from multifactorial likelihood analysis, thresholds for class as per Plon et al. 2008 (PMID: 18951446). Class 1 based on posterior probability = 0.000816

PreventionGenetics, part of Exact Sciences
Classification: Likely benign for BRCA2-related condition. Last evaluated: 2026-06-14. Review status: criteria provided, single submitter. Criteria: ACMG Guidelines, 2015. Collection method: clinical testing. Allele origin: germline. Not counted in ClinVar's aggregate classification.
Comment: This variant is classified as likely benign based on ACMG/AMP sequence variant interpretation guidelines (Richards et al. 2015 PMID: 25741868, with internal and published modifications).

Labcorp Genetics (formerly Invitae), Labcorp
Classification: Likely benign for Hereditary breast ovarian cancer syndrome. Last evaluated: 2026-01-26. Review status: criteria provided, single submitter. Criteria: Invitae Variant Classification Sherloc (09022015). Collection method: clinical testing. Allele origin: germline. Not counted in ClinVar's aggregate classification.

Dasa
Classification: Likely benign for Breast-ovarian cancer, familial, susceptibility to, 2. Last evaluated: 2025-11-25. Review status: criteria provided, single submitter. Criteria: DASA Assertion Criteria. Collection method: clinical testing. Allele origin: germline. Not counted in ClinVar's aggregate classification.
Comment: NM_000059.4(BRCA2):c.2803G>C (p.Asp935His) is a missense variant that results in the substitution of aspartic acid with histidine. Population frequency is inconsistent with a disease-causing role for this variant, and the variant context is inconsistent with a known disease-causing mechanism. Therefore, based on the currently available evidence, this variant is classified as likely benign.

Women's Health and Genetics/Laboratory Corporation of America, LabCorp
Classification: Likely benign. Last evaluated: 2025-07-14. Review status: criteria provided, single submitter. Criteria: LabCorp Variant Classification Summary - May 2015. Collection method: clinical testing. Allele origin: germline. Not counted in ClinVar's aggregate classification.
Comment: Variant summary: BRCA2 c.2803G>C (p.Asp935His) results in a non-conservative amino acid change in the encoded protein sequence. Algorithms developed to predict the effect of missense changes on protein structure and function are either unavailable or do not agree on the potential impact of this missense change. The variant allele was found at a frequency of 6.4e-05 in 250844 control chromosomes, predominantly at a frequency of 0.00013 within the Non-Finnish European subpopulation in the gnomAD database. This frequency is not significantly higher than estimated for a pathogenic variant in BRCA2 causing Hereditary Breast And Ovarian Cancer Syndrome (6.4e-05 vs 0.00075), allowing no conclusion about variant significance. c.2803G>C has been reported in the literature in individuals affected with breast/ovarian cancer (e.g. Vogel_2007, Lee_2008, Caux-Moncoutier_2011, Haffty_2009, Dorling_2021, Sandoval_2021), prostate cancer (e.g. Edwards_2003) and pancreatic cancer (e.g. Hu_2015). However, it has also been reported in individuals with unrelated phenotypes such as schizophrenia or schizoaffective disorder (e.g. Need_2012) and in unaffected individuals (e.g. Becker_2012, Dorling_2021). At least one co-occurrence with a pathogenic variant has been observed (BRCA2 c.8904delC, p.Val2969CysfsX7; in an internal LCA sample), providing supporting evidence for a benign role. Publications reported experimental evidence evaluating an impact on protein function, and demonstrated normal splicing (Wai_2020), and no damaging effect of this variant on double stranded break repair capacity as measured by levels of chromosomal damage upon irradiation (Becker_2012). Additionally, a report from the CAGI5 (fifth Critical Assessment of Genome Interpretation) challenge has classified this variant as benign (CAGI class 1) in a prediction protocol that includes assessment of the impact of this variant on splicing and protein function using four sets of predictors (Padilla_2019). The following publications have been ascertained in the context of this evaluation (PMID: 22729890, 21120943, 33471991, 12474142, 19491284, 26483394, 23929434, 18284688, 33978741, 25348012, 22863191, 31112341, 31131967, 33606809, 17925560, 32123317). ClinVar contains an entry for this variant (Variation ID: 37801). Based on the evidence outlined above, the variant was classified as likely benign.

Quest Diagnostics Nichols Institute San Juan Capistrano
Classification: Likely benign. Last evaluated: 2025-03-10. Review status: criteria provided, single submitter. Criteria: Quest Diagnostics criteria. Collection method: clinical testing. Allele origin: unknown. Not counted in ClinVar's aggregate classification.

Center for Genomic Medicine, Rigshospitalet, Copenhagen University Hospital
Classification: Benign. Last evaluated: 2025-03-04. Review status: criteria provided, single submitter. Criteria: ACMG Guidelines, 2015. Collection method: clinical testing. Allele origin: germline. Not counted in ClinVar's aggregate classification.

Color Diagnostics, LLC DBA Color Health
Classification: Likely benign for Hereditary cancer-predisposing syndrome. Last evaluated: 2023-06-22. Review status: criteria provided, single submitter. Criteria: ACMG Guidelines, 2015. Collection method: clinical testing. Allele origin: germline. Not counted in ClinVar's aggregate classification.

Blueprint Genetics
Classification: Likely benign. Last evaluated: 2023-05-19. Review status: criteria provided, single submitter. Criteria: ACMG Guidelines, 2015. Collection method: clinical testing. Allele origin: germline. Not counted in ClinVar's aggregate classification.

Mendelics
Classification: Benign for Breast-ovarian cancer, familial, susceptibility to, 2. Last evaluated: 2023-02-27. Review status: criteria provided, single submitter. Criteria: Mendelics Assertion Criteria 2019. Collection method: clinical testing. Allele origin: germline. Not counted in ClinVar's aggregate classification.

Institute for Clinical Genetics, University Hospital TU Dresden, University Hospital TU Dresden
Classification: Uncertain significance. Last evaluated: 2021-11-03. Review status: criteria provided, single submitter. Criteria: ACMG Guidelines, 2015. Collection method: clinical testing. Allele origin: germline. Not counted in ClinVar's aggregate classification.

Sema4
Classification: Likely benign for Hereditary cancer-predisposing syndrome. Last evaluated: 2021-07-02. Review status: criteria provided, single submitter. Criteria: Sema4 Curation Guidelines. Collection method: curation. Allele origin: germline. Not counted in ClinVar's aggregate classification.

ARUP Laboratories, Molecular Genetics and Genomics, ARUP Laboratories
Classification: Uncertain significance. Last evaluated: 2019-06-27. Review status: criteria provided, single submitter. Criteria: ARUP Molecular Germline Variant Investigation Process. Collection method: clinical testing. Allele origin: germline. Not counted in ClinVar's aggregate classification.
Comment: The BRCA2 c.2803G>C; p.Asp935His variant (rs28897716), is reported in the literature in individuals with breast and/or ovarian cancer (Caux-Moncoutier 2011, Haffty 2009, Vogel 2007) and in individuals with prostate cancer (Edwards 2003). This variant is reported in ClinVar but with conflicting interpretations (Variation ID: 37801). This variant is found in the non-Finnish European population with an overall allele frequency of 0.01% (16/250844 alleles) in the Genome Aggregation Database. The aspartate at codon 935 is weakly conserved and computational analyses (SIFT, PolyPhen-2) predict that this variant is tolerated. Due to limited information, the clinical significance of this BRCA2 variant is uncertain at this time. References: Caux-Moncoutier V et al. EMMA, a cost- and time-effective diagnostic method for simultaneous detection of point mutations and large-scale genomic rearrangements: application to BRCA1 and BRCA2 in 1,525 patients. Hum Mutat. 2011 Mar;32(3):325-34. Edwards SM et al. Two percent of men with early-onset prostate cancer harbor germline mutations in the BRCA2 gene. Am J Hum Genet. 2003 Jan; 72 (1):1-12. Haffty BG et al. Breast cancer in young women (YBC): prevalence of BRCA1/2 mutations and rish of secondary malignancies across diverse racial groups. Ann Oncol. 2009 Oct; 20(10):1653-9. Vogel KJ et al. BRCA1 and BRCA2 genetic testing in Hispanic patients: mutation prevalence and evaluation of the BRCAPRO risk assessment model. J Clin Oncol. 2007 Oct 10; 25(29):4635-41.